The following is an entry in ClinVar:

ClinVar aggregate classification (germline): Pathogenic (1 of 4 stars; one submission).

Conditions:
Joubert syndrome and related disorders. Identifiers: Orphanet 140874, MedGen C5679612, MONDO:0015369.

Submission:

Myriad Genetics, Inc.
Classification: Pathogenic for Joubert syndrome and related disorders. Last evaluated: 2024-06-01. Review status: criteria provided, single submitter. Criteria: Myriad Autosomal Dominant, Autosomal Recessive and X-Linked Classification Criteria (2023). Collection method: clinical testing. Allele origin: unknown.
Comment: NM_001080522.2(CC2D2A):c.2948delT(F983Sfs*2) is expected to be pathogenic in the context of CC2D2A-related disorders. This variant is predicted to lead to an abnormal or absent protein product due to the creation of a premature termination codon in CC2D2A, a gene where loss-of-function variants are known to be pathogenic. Please note: this variant was assessed in the context of healthy population screening.

NM_001378615.1(CC2D2A):c.2948del (p.Phe983fs)

Genes: CC2D2A (coiled-coil and C2 domain containing 2A; plus strand), FBXL5 (F-box and leucine rich repeat protein 5; minus strand). Cytogenetic location: 4p15.32.
Variant type: Deletion.
Coding change: c.2948del on transcript NM_001378615.1 (MANE Select); coding-DNA position 2948, one base deleted (T; older notation c.2948delT).
Protein change: p.Phe983fs; shifts the reading frame from phenylalanine 983.
Molecular consequence: frameshift variant.
Genome position (GRCh38, 1-based): chr4:15,560,556, T deleted; the last of 3 consecutive T bases (chr4:15,560,554-15,560,556); deleting any one gives the same sequence. VCF-style (leftmost placement, unchanged base first): chr4-15560553-GT-G. GRCh37 (hg19) VCF-style: chr4-15562176-GT-G.
Other names: c.2948del, p.Phe983fs (NM_001080522.2); c.2801del, p.Phe934fs (NM_001378617.1); short protein forms F934fs, F983fs.
Identifiers: ClinVar variation 5013130 (VCV005013130.1).
Genomic context (GRCh38, chr4:15,560,553, plus strand): 5'-AATAATAACATTTTAAATAAGCTGATTTCTTTCCCCAGGTTAGAGAATCAGTGATAAATC[GT>G]TTCTTAATTGCAAAACAATATTTTCTTCTTGCTGATATGATAGTAGAAGAAGAAGTTCCC-3'